The following is an entry in ClinVar:

NM_001079.4(ZAP70):c.1656C>T (p.Ile552=)

Gene: ZAP70 (zeta chain of T cell receptor associated protein kinase 70; plus strand). Cytogenetic location: 2q11.2.
Variant type: single nucleotide variant.
Coding change: c.1656C>T on transcript NM_001079.4 (MANE Select); coding-DNA position 1656, C replaced by T.
Protein change: p.Ile552=; no amino-acid change (isoleucine 552 retained).
Molecular consequence: synonymous variant.
Genome position (GRCh38, 1-based): chr2:97,738,027, C>T. VCF-style: chr2-97738027-C-T. GRCh37 (hg19) VCF-style: chr2-98354490-C-T.
Other names: c.1656C>T, p.Ile552= (NM_001378594.1); c.735C>T, p.Ile245= (NM_207519.2).
Identifiers: ClinVar variation 471241 (VCV000471241.44), dbSNP rs150096962, ClinGen allele CA1790532.

ClinVar aggregate classification (germline): Conflicting classifications of pathogenicity. Review status: criteria provided, conflicting classifications (1 of 4 stars). 6 submissions from 6 submitters: Uncertain significance (1); Likely benign (3). 2 of the submissions do not count toward it. Last evaluated 2026-01-27.

Conditions:
Combined immunodeficiency due to ZAP70 deficiency (IMD48). Also called: ZAP70 Deficiency; Immunodeficiency 48. Identifiers: Orphanet 911, MedGen C2931299, MONDO:0010023, OMIM 269840.

Allele frequency attached by ClinVar (database versions not stated): gnomAD exomes 0.00036 and 0.00054; ESP Exome Variant Server 0.00054; ExAC 0.00036; gnomAD 0.00037; TOPMed 0.00037.
gnomAD v4.1: 844 of 1,613,230 alleles (0.052%); highest among the groups gnomAD compares: Non-Finnish European, 0.066%; no homozygotes.

Submissions (6):

Labcorp Genetics (formerly Invitae), Labcorp
Classification: Likely benign for Combined immunodeficiency due to ZAP70 deficiency. Last evaluated: 2026-01-27. Review status: criteria provided, single submitter. Criteria: Invitae Variant Classification Sherloc (09022015). Collection method: clinical testing. Allele origin: germline.

CeGaT Center for Human Genetics Tuebingen
Classification: Likely benign. Last evaluated: 2025-06-01. Review status: criteria provided, single submitter. Criteria: CeGaT Center For Human Genetics Tuebingen Variant Classification Criteria Version 2. Collection method: clinical testing. Allele origin: germline. Affected: yes. Observed: 3 variant alleles.
Comment: ZAP70: BP4, BP7

Blueprint Genetics
Classification: Likely benign. Last evaluated: 2024-11-25. Review status: criteria provided, single submitter. Criteria: ACMG Guidelines, 2015. Collection method: clinical testing. Allele origin: germline.

Illumina Laboratory Services, Illumina
Classification: Uncertain significance for Combined immunodeficiency due to ZAP70 deficiency. Last evaluated: 2017-04-27. Review status: criteria provided, single submitter. Criteria: ICSL Variant Classification Criteria 13 December 2019. Collection method: clinical testing. Allele origin: germline.

Clinical Genetics DNA and cytogenetics Diagnostics Lab, Erasmus MC, Erasmus Medical Center
Classification: Likely benign. Review status: no assertion criteria provided. Collection method: clinical testing. Allele origin: germline. Affected: yes. Study: VKGL Data-share Consensus. Not counted in ClinVar's aggregate classification.

Genome Diagnostics Laboratory, University Medical Center Utrecht
Classification: Likely benign. Review status: no assertion criteria provided. Collection method: clinical testing. Allele origin: germline. Affected: yes. Study: VKGL Data-share Consensus. Not counted in ClinVar's aggregate classification.